The following is an entry in ClinVar:

ClinVar aggregate classification (germline): Uncertain significance (1 of 4 stars; one submission).

Allele frequency attached by ClinVar (database versions not stated): gnomAD 0.00001; gnomAD exomes 0.00001 and 0.00002; ExAC 0.00002; TOPMed 0.00002.
gnomAD v4.1: 34 of 1,608,004 alleles (0.0021%); highest among the groups gnomAD compares: East Asian, 0.0045%; no homozygotes.

Submission:

Labcorp Genetics (formerly Invitae), Labcorp
Classification: Uncertain significance. Last evaluated: 2025-10-02. Review status: criteria provided, single submitter. Criteria: Invitae Variant Classification Sherloc (09022015). Collection method: clinical testing. Allele origin: germline.
Comment: This sequence change falls in intron 20 of the CLCN7 gene. It does not directly change the encoded amino acid sequence of the CLCN7 protein. This variant is present in population databases (rs767234484, gnomAD 0.005%). This variant has not been reported in the literature in individuals affected with CLCN7-related conditions. ClinVar contains an entry for this variant (Variation ID: 1499973). Algorithms developed to predict the effect of sequence changes on RNA splicing suggest that this variant may create or strengthen a splice site. In summary, the available evidence is currently insufficient to determine the role of this variant in disease. Therefore, it has been classified as a Variant of Uncertain Significance.

NM_001287.6(CLCN7):c.1884-5G>A

Gene: CLCN7 (chloride voltage-gated channel 7; minus strand). Cytogenetic location: 16p13.3.
Variant type: single nucleotide variant.
Coding change: c.1884-5G>A on transcript NM_001287.6 (MANE Select); 5 bases into the intron before coding-DNA position 1884, G replaced by A.
Molecular consequence: intron variant.
Genome position (GRCh38, 1-based): chr16:1,448,489, C>T on the plus strand (G>A on the coding strand, the complement: CLCN7 is on the minus strand). VCF-style: chr16-1448489-C-T. GRCh37 (hg19) VCF-style: chr16-1498490-C-T.
Other names: c.1812-5G>A (NM_001114331.3).
Identifiers: ClinVar variation 1499973 (VCV001499973.8), dbSNP rs767234484, ClinGen allele CA7809996.
Genomic context (GRCh38, chr16:1,448,489, plus strand): 5'-TGACGCCGACCTTCTCACGCCGCCTCAGGCAGGTCACTGGTGTGCTCATCACCTCCCTGC[C>T]GGAGGAGCCCGGCCACACATGCCCGTCACACGCCACCAACTCCCACAGTTACCTCTGCGG-3'